The following is an entry in ClinVar:

NM_000135.4(FANCA):c.1012G>C (p.Asp338His)

Gene: FANCA (FA complementation group A; minus strand). Cytogenetic location: 16q24.3.
Variant type: single nucleotide variant.
Coding change: c.1012G>C on transcript NM_000135.4 (MANE Select); coding-DNA position 1012, G replaced by C.
Protein change: p.Asp338His; replaces aspartic acid 338 with histidine.
Molecular consequence: missense variant.
Genome position (GRCh38, 1-based): chr16:89,792,542, C>G on the plus strand (G>C on the coding strand, the complement: FANCA is on the minus strand). VCF-style: chr16-89792542-C-G. GRCh37 (hg19) VCF-style: chr16-89858950-C-G.
Other names: c.1012G>C, p.Asp338His (NM_001286167.3); short protein forms D338H.
Identifiers: ClinVar variation 2161305 (VCV002161305.2), dbSNP rs2544276073, ClinGen allele CA397467079.

ClinVar aggregate classification (germline): Uncertain significance. Review status: criteria provided, multiple submitters, no conflicts (2 of 4 stars). 2 submissions from 2 submitters: Uncertain significance (2). Last evaluated 2026-03-20.

Conditions:
Inborn genetic diseases. Identifiers: MedGen C0950123, MeSH D030342.
Fanconi anemia (FA). Also called: Fanconi's anemia. Identifiers: Orphanet 84, MedGen C0015625, MeSH D005199, MONDO:0019391.

Submissions (2):

Ambry Genetics
Classification: Uncertain significance for Inborn genetic diseases. Last evaluated: 2026-03-20. Review status: criteria provided, single submitter. Criteria: Ambry Variant Classification Scheme 2023. Collection method: clinical testing. Allele origin: germline.
Comment: The p.D338H variant (also known as c.1012G>C), located in coding exon 12 of the FANCA gene, results from a G to C substitution at nucleotide position 1012. The aspartic acid at codon 338 is replaced by histidine, an amino acid with similar properties. This amino acid position is conserved. In addition, this alteration is predicted to be deleterious by in silico analysis. Based on the available evidence, the clinical significance of this variant remains unclear.

Labcorp Genetics (formerly Invitae), Labcorp
Classification: Uncertain significance for Fanconi anemia. Last evaluated: 2022-05-17. Review status: criteria provided, single submitter. Criteria: Invitae Variant Classification Sherloc (09022015). Collection method: clinical testing. Allele origin: germline.
Comment: This sequence change replaces aspartic acid, which is acidic and polar, with histidine, which is basic and polar, at codon 338 of the FANCA protein (p.Asp338His). This variant is not present in population databases (gnomAD no frequency). This variant has not been reported in the literature in individuals affected with FANCA-related conditions. Advanced modeling of protein sequence and biophysical properties (such as structural, functional, and spatial information, amino acid conservation, physicochemical variation, residue mobility, and thermodynamic stability) performed at Invitae indicates that this missense variant is expected to disrupt FANCA protein function. In summary, the available evidence is currently insufficient to determine the role of this variant in disease. Therefore, it has been classified as a Variant of Uncertain Significance.